The following is an entry in ClinVar:

ClinVar aggregate classification (germline): Uncertain significance (1 of 4 stars; one submission).

Allele frequency attached by ClinVar (database versions not stated): TOPMed 0.00037; 1000 Genomes Project 0.00060; 1000 Genomes Project 30x 0.00062.
gnomAD v4.1: 56 of 1,614,134 alleles (0.0035%); highest among the groups gnomAD compares: Admixed American, 0.038%; no homozygotes.

Submission:

Labcorp Genetics (formerly Invitae), Labcorp
Classification: Uncertain significance. Last evaluated: 2023-08-07. Review status: criteria provided, single submitter. Criteria: Invitae Variant Classification Sherloc (09022015). Collection method: clinical testing. Allele origin: germline.
Comment: Algorithms developed to predict the effect of missense changes on protein structure and function output the following: SIFT: "Not Available"; PolyPhen-2: "Benign"; Align-GVGD: "Not Available". The lysine amino acid residue is found in multiple mammalian species, which suggests that this missense change does not adversely affect protein function. In summary, the available evidence is currently insufficient to determine the role of this variant in disease. Therefore, it has been classified as a Variant of Uncertain Significance. This variant has not been reported in the literature in individuals affected with HDAC4-related conditions. This variant is present in population databases (rs115568164, gnomAD 0.03%). This sequence change replaces asparagine, which is neutral and polar, with lysine, which is basic and polar, at codon 226 of the HDAC4 protein (p.Asn226Lys).

NM_001378414.1(HDAC4):c.678C>G (p.Asn226Lys)

Gene: HDAC4 (histone deacetylase 4; minus strand). Cytogenetic location: 2q37.3.
Variant type: single nucleotide variant.
Coding change: c.678C>G on transcript NM_001378414.1 (MANE Select); coding-DNA position 678, C replaced by G.
Protein change: p.Asn226Lys; replaces asparagine 226 with lysine.
Molecular consequence: missense variant.
Genome position (GRCh38, 1-based): chr2:239,156,707, G>C on the plus strand (C>G on the coding strand, the complement: HDAC4 is on the minus strand). VCF-style: chr2-239156707-G-C. GRCh37 (hg19) VCF-style: chr2-240078403-G-C.
Other names: c.678C>G, p.Asn226Lys (NM_001378415.1, NM_001378416.1, NM_001378417.1 and 1 more transcripts); short protein forms N226K.
Identifiers: ClinVar variation 2880330 (VCV002880330.3), dbSNP rs115568164, ClinGen allele CA2200135.
Genomic context (GRCh38, chr2:239,156,707, plus strand): 5'-CTGACCTGTTTTCCTAAGAGGGAAGTCATCTTTGGCGTCGTACATTCCCAGGACCGGGTG[G>C]TTATAGGAGGTCGACACTCCGCTCTGGGGTGGAGAACTCTGGTCAAGGGAACTGTGCTGC-3'
Protein context (NP_001365343.1, residues 216-236): PPQSGVSTSY[Asn226Lys]HPVLGMYDAK